The following is an entry in ClinVar:

ClinVar aggregate classification (germline): Pathogenic (1 of 4 stars; one submission).

Conditions:
Complex neurodevelopmental disorder. Identifiers: Orphanet 528084, MedGen C5568766, MONDO:0100038.

Submission:

GeneDx
Classification: Pathogenic. Last evaluated: 2017-01-25. Review status: criteria provided, single submitter. Criteria: GeneDx Variant Classification (06012015). Collection method: clinical testing. Allele origin: germline. Affected: yes.
Comment: The c.605+1 G>T splice site variant in the SCN2A gene destroys the canonical splice donor site in intron 5. It is predicted to cause abnormal gene splicing, either leading to an abnormal message that is subject to nonsense-mediated mRNA decay, or to an abnormal protein product if the message is used for protein translation. Although splice site variants have not been previously reported in the SCN2A gene, other loss of function variants have been published in association with epilepsy.

NM_001040142.2(SCN2A):c.605+1G>T

Gene: SCN2A (sodium voltage-gated channel alpha subunit 2; plus strand). Cytogenetic location: 2q24.3.
Variant type: single nucleotide variant.
Coding change: c.605+1G>T on transcript NM_001040142.2 (MANE Select); the canonical splice donor site of the intron after coding-DNA position 605, G replaced by T.
Molecular consequence: splice donor variant.
Genome position (GRCh38, 1-based): chr2:165,308,795, G>T. VCF-style: chr2-165308795-G-T. GRCh37 (hg19) VCF-style: chr2-166165305-G-T.
Other names: c.605+1G>T (NM_001040143.2, NM_001371246.1, NM_001371247.1 and 1 more transcripts).
Identifiers: ClinVar variation 207039 (VCV000207039.4), dbSNP rs796053171, ClinGen allele CA318076.